The following is an entry in ClinVar:

ClinVar aggregate classification (germline): Benign/Likely benign. Review status: criteria provided, multiple submitters, no conflicts (2 of 4 stars). 10 submissions from 10 submitters: Benign (4); Likely benign (3). 3 of the submissions do not count toward it. Last evaluated 2026-09-01.

Allele frequency attached by ClinVar (database versions not stated): gnomAD 0.00640 and 0.00645; gnomAD exomes 0.00673; ExAC 0.00693; 1000 Genomes Project 30x 0.00203; ESP Exome Variant Server 0.00212; 1000 Genomes Project 0.00240; TOPMed 0.00632.
gnomAD v4.1: 15,164 of 1,512,498 alleles (1%); highest among the groups gnomAD compares: Non-Finnish European, 1.2%; 113 homozygotes.

Submissions (10):

CeGaT Center for Human Genetics Tuebingen
Classification: Benign. Last evaluated: 2026-09-01. Review status: criteria provided, single submitter. Criteria: CeGaT Center For Human Genetics Tuebingen Variant Classification Criteria Version 2. Collection method: clinical testing. Allele origin: germline. Affected: yes. Observed: 15 variant alleles.
Comment: LAMC3: BS1, BS2

Labcorp Genetics (formerly Invitae), Labcorp
Classification: Benign. Last evaluated: 2026-02-02. Review status: criteria provided, single submitter. Criteria: Invitae Variant Classification Sherloc (09022015). Collection method: clinical testing. Allele origin: germline.

Genetic Services Laboratory, University of Chicago
Classification: Benign. Last evaluated: 2017-06-20. Review status: criteria provided, single submitter. Criteria: ACMG Guidelines, 2015. Collection method: clinical testing. Allele origin: germline. Affected: no.

GeneDx
Classification: Benign. Last evaluated: 2017-01-17. Review status: criteria provided, single submitter. Criteria: GeneDx Variant Classification (06012015). Collection method: clinical testing. Allele origin: germline. Affected: yes.
Comment: This variant is considered likely benign or benign based on one or more of the following criteria: it is a conservative change, it occurs at a poorly conserved position in the protein, it is predicted to be benign by multiple in silico algorithms, and/or has population frequency not consistent with disease.

Center for Pediatric Genomic Medicine, Children's Mercy Hospital and Clinics
Classification: Likely benign. Last evaluated: 2016-11-15. Review status: criteria provided, single submitter. Criteria: ACMG Guidelines, 2015. Collection method: clinical testing. Allele origin: germline.
ClinVar note: Converted during submission from Likely Benign to Likely benign.

Eurofins Ntd Llc (ga)
Classification: Likely benign. Last evaluated: 2016-09-14. Review status: criteria provided, single submitter. Criteria: EGL Classification Definitions 2015. Collection method: clinical testing. Allele origin: germline. Observed: 1 variant allele, 1 heterozygote.

Breakthrough Genomics
Classification: Likely benign. Review status: criteria provided, single submitter. Criteria: ACMG Guidelines, 2015. Collection method: not provided. Allele origin: germline. Inheritance: Autosomal recessive inheritance. Affected: yes.

Clinical Genetics DNA and cytogenetics Diagnostics Lab, Erasmus MC, Erasmus Medical Center
Classification: Likely benign. Review status: no assertion criteria provided. Collection method: clinical testing. Allele origin: germline. Affected: yes. Study: VKGL Data-share Consensus. Not counted in ClinVar's aggregate classification.

Genome Diagnostics Laboratory, Amsterdam University Medical Center
Classification: Benign. Review status: no assertion criteria provided. Collection method: clinical testing. Allele origin: germline. Affected: yes. Study: VKGL Data-share Consensus. Not counted in ClinVar's aggregate classification.

Laboratory of Diagnostic Genome Analysis, Leiden University Medical Center (LUMC)
Classification: Likely benign. Review status: no assertion criteria provided. Collection method: clinical testing. Allele origin: germline. Affected: yes. Study: VKGL Data-share Consensus. Not counted in ClinVar's aggregate classification.

NM_006059.4(LAMC3):c.146A>G (p.Gln49Arg)

Gene: LAMC3 (laminin subunit gamma 3; plus strand). Cytogenetic location: 9q34.12.
Variant type: single nucleotide variant.
Coding change: c.146A>G on transcript NM_006059.4 (MANE Select); coding-DNA position 146, A replaced by G.
Protein change: p.Gln49Arg; replaces glutamine 49 with arginine.
Molecular consequence: missense variant.
Genome position (GRCh38, 1-based): chr9:131,009,360, A>G. VCF-style: chr9-131009360-A-G. GRCh37 (hg19) VCF-style: chr9-133884747-A-G.
Other names: short protein forms Q49R.
Identifiers: ClinVar variation 291085 (VCV000291085.52), dbSNP rs201962705, ClinGen allele CA5286631.